The following is an entry in ClinVar:

ClinVar aggregate classification (germline): Uncertain significance (1 of 4 stars; one submission).

Allele frequency attached by ClinVar (database versions not stated): ExAC 0.00001.
gnomAD v4.1: 6 of 1,613,882 alleles (0.00037%); highest among the groups gnomAD compares: South Asian, 0.0044%; no homozygotes.

Submission:

Labcorp Genetics (formerly Invitae), Labcorp
Classification: Uncertain significance. Last evaluated: 2022-04-20. Review status: criteria provided, single submitter. Criteria: Invitae Variant Classification Sherloc (09022015). Collection method: clinical testing. Allele origin: germline.
Comment: In summary, the available evidence is currently insufficient to determine the role of this variant in disease. Therefore, it has been classified as a Variant of Uncertain Significance. Algorithms developed to predict the effect of missense changes on protein structure and function are either unavailable or do not agree on the potential impact of this missense change (SIFT: "Tolerated"; PolyPhen-2: "Not Available"; Align-GVGD: "Class C0"). This variant has not been reported in the literature in individuals affected with PCLO-related conditions. This variant is present in population databases (rs758599815, gnomAD 0.003%). This sequence change replaces serine, which is neutral and polar, with threonine, which is neutral and polar, at codon 2039 of the PCLO protein (p.Ser2039Thr).

NM_033026.6(PCLO):c.6116G>C (p.Ser2039Thr)

Gene: PCLO (piccolo presynaptic cytomatrix protein; minus strand). Cytogenetic location: 7q21.11.
Variant type: single nucleotide variant.
Coding change: c.6116G>C on transcript NM_033026.6 (MANE Select); coding-DNA position 6116, G replaced by C.
Protein change: p.Ser2039Thr; replaces serine 2039 with threonine.
Molecular consequence: missense variant.
Genome position (GRCh38, 1-based): chr7:82,954,837, C>G on the plus strand (G>C on the coding strand, the complement: PCLO is on the minus strand). VCF-style: chr7-82954837-C-G. GRCh37 (hg19) VCF-style: chr7-82584153-C-G.
Other names: c.6116G>C, p.Ser2039Thr (NM_014510.3); short protein forms S2039T.
Identifiers: ClinVar variation 1936942 (VCV001936942.5), dbSNP rs758599815, ClinGen allele CA4320531.